The following is an entry in ClinVar:

NM_000059.4(BRCA2):c.956A>C (p.Asn319Thr)

Gene: BRCA2 (BRCA2 DNA repair associated; plus strand). Cytogenetic location: 13q13.1.
Variant type: single nucleotide variant.
Coding change: c.956A>C on transcript NM_000059.4 (MANE Select); coding-DNA position 956, A replaced by C.
Protein change: p.Asn319Thr; replaces asparagine 319 with threonine.
Molecular consequence: missense variant.
Genome position (GRCh38, 1-based): chr13:32,332,434, A>C. VCF-style: chr13-32332434-A-C. GRCh37 (hg19) VCF-style: chr13-32906571-A-C.
Other names: p.N319T:AAT>ACT; p.Asn319Thr; 1184A>C; short protein forms N319T.
Identifiers: ClinVar variation 38248 (VCV000038248.42), dbSNP rs55939572, ClinGen allele CA026214.
Genomic context (GRCh38, chr13:32,332,434, plus strand): 5'-TTGTAGATACCTCTGAAGAAGATAGTTTTTCATTATGTTTTTCTAAATGTAGAACAAAAA[A>C]TCTACAAAAAGTAAGAACTAGCAAGACTAGGAAAAAAATTTTCCATGAAGCAAACGCTGA-3'
Protein context (NP_000050.3, residues 309-329): SLCFSKCRTK[Asn319Thr]LQKVRTSKTR

ClinVar aggregate classification (germline): Conflicting classifications of pathogenicity. Review status: criteria provided, conflicting classifications (1 of 4 stars). 24 submissions from 23 submitters: Uncertain significance (1); Benign (6); Likely benign (11). 6 of the submissions do not count toward it. Last evaluated 2026-04-21.

Conditions:
Breast and/or ovarian cancer. Identifiers: MedGen CN221562.
Hereditary cancer-predisposing syndrome. Also called: Hereditary neoplastic syndrome; Neoplastic Syndromes, Hereditary; Tumor predisposition; Hereditary Cancer Syndrome. Identifiers: Orphanet 140162, MedGen C0027672, MeSH D009386, MONDO:0015356.
BRCA2-related cancer predisposition. Identifiers: MedGen CN377758, MONDO:0700269.
Hereditary breast ovarian cancer syndrome. Also called: Breast and ovarian cancer; Hereditary breast and ovarian cancer syndrome; Hereditary breast and/or ovarian cancer syndrome; BRCA1- and BRCA2-Associated Hereditary Breast and Ovarian Cancer; Hereditary breast and ovarian cancer; Hereditary breast and ovarian cancer syndrome (HBOC). Identifiers: Orphanet 145, MedGen C0677776, MeSH D061325, MONDO:0003582. Disease mechanism: loss of function.
Fanconi anemia complementation group D1. Also called: BRCA2-Related Fanconi Anemia. Identifiers: Orphanet 319462, MedGen C1838457, MONDO:0011584, OMIM 605724.
Breast-ovarian cancer, familial, susceptibility to, 2 (BROVCA2). Also called: BRCA2 Hereditary Breast and Ovarian Cancer. Identifiers: Orphanet 145, MedGen C2675520, MONDO:0012933, OMIM 612555. Disease mechanism: loss of function.
Malignant tumor of breast. Also called: Cancer breast; Malignant breast neoplasm. Identifiers: MedGen C0006142, MONDO:0007254. Disease mechanism: loss of function.

Allele frequency attached by ClinVar (database versions not stated): TOPMed 0.00030.
gnomAD v4.1: 74 of 1,590,104 alleles (0.0047%); highest among the groups gnomAD compares: Admixed American, 0.052%; no homozygotes.

Submissions 1 to 22 of 24:

Dasa
Classification: Likely benign for Breast-ovarian cancer, familial, susceptibility to, 2. Last evaluated: 2026-04-21. Review status: criteria provided, single submitter. Criteria: DASA Assertion Criteria. Collection method: clinical testing. Allele origin: germline.
Comment: NM_000059.4(BRCA2):c.956A>C (p.Asn319Thr) is interpreted based on available population and clinical evidence, including population frequency and no convincing observation in affected individuals. Based on the available data, this variant is classified as likely benign.

Institute for Biomarker Research, Medical Diagnostic Laboratories, L.L.C.
Classification: Likely benign for Hereditary breast ovarian cancer syndrome. Last evaluated: 2026-02-02. Review status: criteria provided, single submitter. Criteria: ACMG Guidelines, 2015. Collection method: clinical testing. Allele origin: germline.
Comment: The missense variant NM_000059.4(BRCA2):c.956A>C (p.Asn319Thr) has not been reported previously as a pathogenic variant, to our knowledge(Accession: VCV000038248.38). The p.Asn319Thr variant is observed in 21/28,786 (0.073%) alleles from individuals of gnomAD Latino background in gnomAD, which is greater than expected for the disorder. There is a small physicochemical difference between asparagine and threonine, which is not likely to impact secondary protein structure as these residues share similar properties.The nucleotide c.956 in BRCA2 is not conserved according to a GERP++ and PhyloP analysis of 100 vertebrates. For these reasons, this variant has been classified as Likely Benign.

Labcorp Genetics (formerly Invitae), Labcorp
Classification: Benign for Hereditary breast ovarian cancer syndrome. Last evaluated: 2026-01-24. Review status: criteria provided, single submitter. Criteria: Invitae Variant Classification Sherloc (09022015). Collection method: clinical testing. Allele origin: germline.

Mayo Clinic Laboratories, Mayo Clinic
Classification: Benign. Last evaluated: 2025-02-07. Review status: criteria provided, single submitter. Criteria: ACMG Guidelines, 2015. Collection method: clinical testing. Allele origin: germline. Observed: 1 variant allele.
Comment: BS1, BP1_strong

All of Us Research Program, National Institutes of Health
Classification: Likely benign for BRCA2-related cancer predisposition. Last evaluated: 2024-09-23. Review status: criteria provided, single submitter. Criteria: ACMG Guidelines, 2015. Collection method: clinical testing. Allele origin: germline. Inheritance: Autosomal dominant inheritance. Observed: 36 variant alleles, 36 heterozygotes.
Comment: This study involves interpretation of variants in research participants for the purpose of population health screening. Participant phenotype was not available at the time of variant classification. Additional details can be found in publication PMID: 35346344, PMCID: PMC8962531

Blueprint Genetics
Classification: Likely benign. Last evaluated: 2024-09-18. Review status: criteria provided, single submitter. Criteria: ACMG Guidelines, 2015. Collection method: clinical testing. Allele origin: germline.

University of Washington Department of Laboratory Medicine, University of Washington
Classification: Likely benign for Hereditary cancer-predisposing syndrome. Last evaluated: 2023-03-23. Review status: criteria provided, single submitter. Criteria: Dines et al. (Genet Med. 2020). Collection method: curation. Allele origin: germline.
Comment: Missense variant in a coldspot region where missense variants are very unlikely to be pathogenic (PMID:31911673).

BRCA2 exon 10 coldspot. Reclassification based on statistical prior probability.

Quest Diagnostics Nichols Institute San Juan Capistrano
Classification: Benign. Last evaluated: 2022-08-16. Review status: criteria provided, single submitter. Criteria: Quest Diagnostics criteria. Collection method: clinical testing. Allele origin: unknown.

ARUP Laboratories, Molecular Genetics and Genomics, ARUP Laboratories
Classification: Likely benign. Last evaluated: 2021-07-19. Review status: criteria provided, single submitter. Criteria: ARUP Molecular Germline Variant Investigation Process 2021. Collection method: clinical testing. Allele origin: germline.

Sema4
Classification: Likely benign for Hereditary cancer-predisposing syndrome. Last evaluated: 2021-03-05. Review status: criteria provided, single submitter. Criteria: Sema4 Curation Guidelines. Collection method: curation. Allele origin: germline.

Mendelics
Classification: Likely benign for Breast-ovarian cancer, familial, susceptibility to, 2. Last evaluated: 2019-05-28. Review status: criteria provided, single submitter. Criteria: Mendelics Assertion Criteria 2017. Collection method: clinical testing. Allele origin: unknown.

Illumina Laboratory Services, Illumina
Classification: Likely benign for Breast-ovarian cancer, familial, susceptibility to, 2. Last evaluated: 2019-02-25. Review status: criteria provided, single submitter. Criteria: ICSL Variant Classification Criteria 13 December 2019. Collection method: clinical testing. Allele origin: germline.
Comment: This variant was observed as part of a predisposition screen in an ostensibly healthy population. A literature search was performed for the gene, cDNA change, and amino acid change (where applicable). Publications were found based on this search. The evidence from the literature, in combination with allele frequency data from public databases where available, was sufficient to determine this variant is unlikely to cause disease. Therefore, this variant is classified as likely benign.

Illumina Laboratory Services, Illumina
Classification: Uncertain significance for Fanconi anemia complementation group D1. Last evaluated: 2019-02-25. Review status: criteria provided, single submitter. Criteria: ICSL Variant Classification Criteria 13 December 2019. Collection method: clinical testing. Allele origin: germline.

PreventionGenetics, part of Exact Sciences
Classification: Benign. Last evaluated: 2017-06-01. Review status: criteria provided, single submitter. Criteria: ACMG Guidelines, 2015. Collection method: clinical testing. Allele origin: germline.

Genetic Services Laboratory, University of Chicago
Classification: Likely benign. Last evaluated: 2016-12-07. Review status: criteria provided, single submitter. Criteria: ACMG Guidelines, 2015. Collection method: clinical testing. Allele origin: germline. Affected: no.

Color Diagnostics, LLC DBA Color Health
Classification: Likely benign for Hereditary cancer-predisposing syndrome. Last evaluated: 2015-08-27. Review status: criteria provided, single submitter. Criteria: ACMG Guidelines, 2015. Collection method: clinical testing. Allele origin: germline.

Ambry Genetics
Classification: Benign for Hereditary cancer-predisposing syndrome. Last evaluated: 2014-11-19. Review status: criteria provided, single submitter. Criteria: Ambry Variant Classification Scheme 2023. Collection method: clinical testing. Allele origin: germline.

GeneDx
Classification: Benign. Last evaluated: 2014-07-21. Review status: criteria provided, single submitter. Criteria: GeneDx Variant Classification (06012015). Collection method: clinical testing. Allele origin: germline. Affected: yes.
Comment: This variant is considered likely benign or benign based on one or more of the following criteria: it is a conservative change, it occurs at a poorly conserved position in the protein, it is predicted to be benign by multiple in silico algorithms, and/or has population frequency not consistent with disease.

BRCAlab, Lund University
Classification: Benign for Breast-ovarian cancer, familial, susceptibility to, 2. Last evaluated: 2020-03-02. Review status: no assertion criteria provided. Collection method: clinical testing. Allele origin: germline. Affected: yes. Not counted in ClinVar's aggregate classification.

Counsyl
Classification: Likely benign for Breast-ovarian cancer, familial 2. Last evaluated: 2014-05-13. Review status: no assertion criteria provided. Collection method: literature only. Allele origin: unknown. Inheritance: Autosomal dominant inheritance. Not counted in ClinVar's aggregate classification.

Sharing Clinical Reports Project (SCRP)
Classification: Benign for Breast-ovarian cancer, familial 2. Last evaluated: 2008-09-01. Review status: no assertion criteria provided. Collection method: clinical testing. Allele origin: germline. Not counted in ClinVar's aggregate classification.

Breast Cancer Information Core (BIC) (BRCA2)
Classification: Uncertain significance for Breast-ovarian cancer, familial 2. Last evaluated: 2002-05-29. Review status: no assertion criteria provided. Collection method: clinical testing. Allele origin: germline. Affected: yes. Observed: 10 variant alleles. Not counted in ClinVar's aggregate classification.